The following is an entry in ClinVar:

NM_000135.4(FANCA):c.3930G>C (p.Glu1310Asp)

Genes: ZNF276 (zinc finger protein 276; plus strand), FANCA (FA complementation group A; minus strand). Cytogenetic location: 16q24.3.
Variant type: single nucleotide variant.
Coding change: c.3930G>C on transcript NM_000135.4 (MANE Select); coding-DNA position 3930, G replaced by C.
Protein change: p.Glu1310Asp; replaces glutamic acid 1310 with aspartic acid.
Molecular consequence: missense variant. On other transcripts: 3 prime UTR variant (2), non-coding transcript variant (4).
Genome position (GRCh38, 1-based): chr16:89,739,998, C>G on the plus strand (G>C on the coding strand, the complement: FANCA is on the minus strand). VCF-style: chr16-89739998-C-G. GRCh37 (hg19) VCF-style: chr16-89806406-C-G.
Other names: c.3930G>C, p.Glu1310Asp (NM_001286167.3); c.*1752C>G (NM_001113525.2, NM_152287.4); short protein forms E1310D.
Identifiers: ClinVar variation 1388105 (VCV001388105.8), dbSNP rs2151714594, ClinGen allele CA397484901.
Genomic context (GRCh38, chr16:89,739,998, plus strand): 5'-GATGCCTCTGAAAAGAGCGGCCCTCCGCATTTGTGCCTCAGCAGCGTGTTTCTTACCACT[C>G]TCTGTCAACTGAAAGAGTGCCAGCCAGGATATCTTCCTCTTCTCTAAACACTCGAGGATT-3'
Protein context (NP_000126.2, residues 1300-1320): ISWLALFQLT[Glu1310Asp]SDLRLGRLLL

ClinVar aggregate classification (germline): Uncertain significance (1 of 4 stars; one submission).

Conditions:
Fanconi anemia (FA). Also called: Fanconi's anemia. Identifiers: Orphanet 84, MedGen C0015625, MeSH D005199, MONDO:0019391.

gnomAD v4.1: 3 of 1,614,148 alleles (0.00019%); highest among the groups gnomAD compares: Non-Finnish European, 0.00025%; no homozygotes.

Submission:

Labcorp Genetics (formerly Invitae), Labcorp
Classification: Uncertain significance for Fanconi anemia. Last evaluated: 2021-02-15. Review status: criteria provided, single submitter. Criteria: Invitae Variant Classification Sherloc (09022015). Collection method: clinical testing. Allele origin: germline.
Comment: This sequence change replaces glutamic acid with aspartic acid at codon 1310 of the FANCA protein (p.Glu1310Asp). The glutamic acid residue is moderately conserved and there is a small physicochemical difference between glutamic acid and aspartic acid. In summary, the available evidence is currently insufficient to determine the role of this variant in disease. Therefore, it has been classified as a Variant of Uncertain Significance. Algorithms developed to predict the effect of missense changes on protein structure and function output the following: SIFT: "Tolerated"; PolyPhen-2: "Possibly Damaging"; Align-GVGD: "Class C0". The aspartic acid amino acid residue is found in multiple mammalian species, suggesting that this missense change does not adversely affect protein function. These predictions have not been confirmed by published functional studies and their clinical significance is uncertain. This variant has not been reported in the literature in individuals with FANCA-related conditions. This variant is not present in population databases (ExAC no frequency).